The following is an entry in ClinVar:

ClinVar aggregate classification (germline): Uncertain significance (1 of 4 stars; one submission).

Conditions:
Type A2 brachydactyly (BDA2). Also called: BRACHYMESOPHALANGY II; Brachymesophalangy type 2; MOHR-WRIEDT TYPE BRACHYDACTYLY. Identifiers: Orphanet 93396, MedGen C1832702, MONDO:0007216, OMIM 112600, HP:0009372.
Acromesomelic dysplasia 3 (AMD3). Also called: Acromesomelic dysplasia, Demirhan type; CHONDRODYSPLASIA, ACROMESOMELIC, WITH OR WITHOUT GENITAL ANOMALIES. Identifiers: MedGen C4225404, MONDO:0012274, OMIM 609441.

Submission:

Labcorp Genetics (formerly Invitae), Labcorp
Classification: Uncertain significance for Type A2 brachydactyly; Acromesomelic dysplasia 3. Last evaluated: 2022-11-19. Review status: criteria provided, single submitter. Criteria: Invitae Variant Classification Sherloc (09022015). Collection method: clinical testing. Allele origin: germline.
Comment: In summary, the available evidence is currently insufficient to determine the role of this variant in disease. Therefore, it has been classified as a Variant of Uncertain Significance. Advanced modeling of protein sequence and biophysical properties (such as structural, functional, and spatial information, amino acid conservation, physicochemical variation, residue mobility, and thermodynamic stability) performed at Invitae indicates that this missense variant is not expected to disrupt BMPR1B protein function. This variant has not been reported in the literature in individuals affected with BMPR1B-related conditions. This variant is not present in population databases (gnomAD no frequency). This sequence change replaces threonine, which is neutral and polar, with serine, which is neutral and polar, at codon 155 of the BMPR1B protein (p.Thr155Ser).

NM_001203.3(BMPR1B):c.464C>G (p.Thr155Ser)

Gene: BMPR1B (bone morphogenetic protein receptor type 1B; plus strand). Cytogenetic location: 4q22.3.
Variant type: single nucleotide variant.
Coding change: c.464C>G on transcript NM_001203.3 (MANE Select); coding-DNA position 464, C replaced by G.
Protein change: p.Thr155Ser; replaces threonine 155 with serine.
Molecular consequence: missense variant.
Genome position (GRCh38, 1-based): chr4:95,125,000, C>G. VCF-style: chr4-95125000-C-G. GRCh37 (hg19) VCF-style: chr4-96046151-C-G.
Other names: c.464C>G, p.Thr155Ser (NM_001256792.2, NM_001256794.1); c.554C>G, p.Thr185Ser (NM_001256793.2); short protein forms T185S, T155S.
Identifiers: ClinVar variation 2924303 (VCV002924303.3), dbSNP rs140360809, ClinGen allele CA357680139.
Genomic context (GRCh38, chr4:95,125,000, plus strand): 5'-TGCATTTCATTATCTAAAATTATCTTCATCTATCCATCTTTAGGTATAAAAGACAAGAAA[C>G]CAGACCTCGATACAGCATTGGGTTAGAACAGGATGAAACTTACATTCCTCCTGGAGAATC-3'
Protein context (NP_001194.1, residues 145-165): FCYFRYKRQE[Thr155Ser]RPRYSIGLEQ